The following is an entry in ClinVar:

ClinVar aggregate classification (germline): Uncertain significance (1 of 4 stars; one submission).

Conditions:
Neuronopathy, distal hereditary motor, autosomal recessive 4. Also called: NEUROPATHY, DISTAL HEREDITARY MOTOR, AUTOSOMAL RECESSIVE 4; Autosomal recessive lower motor neuron disease with childhood onset. Identifiers: Orphanet 206580, MedGen C1970211, MONDO:0012608, OMIM 611067.
Charcot-Marie-Tooth disease recessive intermediate C. Also called: CHARCOT-MARIE-TOOTH NEUROPATHY, RECESSIVE INTERMEDIATE C. Identifiers: Orphanet 369867, MedGen C3809309, MONDO:0014154, OMIM 615376.

Allele frequency attached by ClinVar (database versions not stated): TOPMed below 0.00001; ExAC 0.00001; gnomAD 0.00001.
gnomAD v4.1: 18 of 1,613,750 alleles (0.0011%); highest among the groups gnomAD compares: East Asian, 0.0022%; no homozygotes.

Submission:

Labcorp Genetics (formerly Invitae), Labcorp
Classification: Uncertain significance for Neuronopathy, distal hereditary motor, autosomal recessive 4; Charcot-Marie-Tooth disease recessive intermediate C. Last evaluated: 2022-06-03. Review status: criteria provided, single submitter. Criteria: Invitae Variant Classification Sherloc (09022015). Collection method: clinical testing. Allele origin: germline.
Comment: This sequence change replaces aspartic acid, which is acidic and polar, with glutamic acid, which is acidic and polar, at codon 634 of the PLEKHG5 protein (p.Asp634Glu). This variant is present in population databases (rs749812123, gnomAD 0.003%). This variant has not been reported in the literature in individuals affected with PLEKHG5-related conditions. Algorithms developed to predict the effect of missense changes on protein structure and function output the following: SIFT: "Tolerated"; PolyPhen-2: "Benign"; Align-GVGD: "Class C0". The glutamic acid amino acid residue is found in multiple mammalian species, which suggests that this missense change does not adversely affect protein function. In summary, the available evidence is currently insufficient to determine the role of this variant in disease. Therefore, it has been classified as a Variant of Uncertain Significance.

NM_020631.6(PLEKHG5):c.1902C>A (p.Asp634Glu)

Gene: PLEKHG5 (pleckstrin homology and RhoGEF domain containing G5; minus strand). Cytogenetic location: 1p36.31.
Variant type: single nucleotide variant.
Coding change: c.1902C>A on transcript NM_020631.6 (MANE Select); coding-DNA position 1902, C replaced by A.
Protein change: p.Asp634Glu; replaces aspartic acid 634 with glutamic acid.
Molecular consequence: missense variant.
Genome position (GRCh38, 1-based): chr1:6,469,575, G>T on the plus strand (C>A on the coding strand, the complement: PLEKHG5 is on the minus strand). VCF-style: chr1-6469575-G-T. GRCh37 (hg19) VCF-style: chr1-6529635-G-T.
Other names: c.2013C>A, p.Asp671Glu (NM_001042663.3, NM_001265592.2); c.1902C>A, p.Asp634Glu (NM_001042664.2, NM_001042665.2, NM_001265594.3 and 1 more transcripts); c.2109C>A, p.Asp703Glu (NM_001265593.2); short protein forms D703E, D634E, D671E.
Identifiers: ClinVar variation 2141025 (VCV002141025.1), dbSNP rs749812123, ClinGen allele CA561321.
Genomic context (GRCh38, chr1:6,469,575, plus strand): 5'-ACCAGGAACAGGGGACCAGGGCTCCTTACCAGGGTCCCGTAGCTCCCGGCACACAATCTT[G>T]TCCACGAGCAGGGGTGGCCTGATGACCCTGGTCCTCTCTGCCTTCTTCACTGCTTTGGTC-3'
Protein context (NP_065682.2, residues 624-644): TRVIRPPLLV[Asp634Glu]KIVCRELRDP